The following is an entry in ClinVar:

ClinVar aggregate classification (germline): Pathogenic. Review status: criteria provided, multiple submitters, no conflicts (2 of 4 stars). 4 submissions from 4 submitters: Pathogenic (4). Last evaluated 2024-10-22.

Conditions:
Nephronophthisis 3 (NPHP3). Also called: Adolescent nephronophthisis. Identifiers: Orphanet 655, MedGen C1858392, MONDO:0011456, OMIM 604387.
Renal-hepatic-pancreatic dysplasia 1 (RHPD1). Identifiers: MedGen C3715199, MONDO:0008833, OMIM 208540.
NPHP3-related Meckel-like syndrome. Also called: GOLDSTON SYNDROME; Meckel syndrome type 7. Identifiers: Orphanet 3032, MedGen C2673885, MONDO:0009966, OMIM 267010.
Nephronophthisis. Also called: Juvenile Nephronophthisis. Identifiers: Orphanet 655, MedGen C0687120, MONDO:0019005, HP:0000090.

Allele frequency attached by ClinVar (database versions not stated): ExAC 0.00001; gnomAD exomes 0.00001.
gnomAD v4.1: 11 of 1,613,030 alleles (0.00068%); highest among the groups gnomAD compares: Middle Eastern, 0.017%; no homozygotes.

Submissions (4):

Labcorp Genetics (formerly Invitae), Labcorp
Classification: Pathogenic for Nephronophthisis. Last evaluated: 2024-10-22. Review status: criteria provided, single submitter. Criteria: Invitae Variant Classification Sherloc (09022015). Collection method: clinical testing. Allele origin: germline.
Comment: This sequence change creates a premature translational stop signal (p.Arg1207*) in the NPHP3 gene. It is expected to result in an absent or disrupted protein product. Loss-of-function variants in NPHP3 are known to be pathogenic (PMID: 18371931, 23559409). This variant is present in population databases (rs780020801, gnomAD 0.006%). This premature translational stop signal has been observed in individual(s) with nephronophthisis (PMID: 23559409). ClinVar contains an entry for this variant (Variation ID: 693989). For these reasons, this variant has been classified as Pathogenic.

Fulgent Genetics
Classification: Pathogenic for Renal-hepatic-pancreatic dysplasia 1; NPHP3-related Meckel-like syndrome; Nephronophthisis 3. Last evaluated: 2024-01-12. Review status: criteria provided, single submitter. Criteria: ACMG Guidelines, 2015. Collection method: clinical testing. Allele origin: germline.

3billion
Classification: Pathogenic for Renal-hepatic-pancreatic dysplasia 1. Last evaluated: 2022-01-03. Review status: criteria provided, single submitter. Criteria: ACMG Guidelines, 2015. Collection method: clinical testing. Allele origin: germline. Affected: yes. Observed: 1 homozygote.
Comment: Stop-gained (nonsense): predicted to result in a loss or disruption of normal protein function through nonsense-mediated decay (NMD) or protein truncation. Multiple pathogenic variants are reported downstream of the variant (PVS1_VS).The variant has been reported to be associated with NPHP3 related disorder (ClinVar ID: VCV000693989, PMID:23559409).It is observed at an extremely low frequency in the gnomAD v2.1.1 dataset (total allele frequency: 0.000008, PM2_M). Therefore, this variant is classified as pathogenic according to the recommendation of ACMG/AMP guideline.

Johns Hopkins Genomics, Johns Hopkins University
Classification: Pathogenic for NPHP3-related Meckel-like syndrome. Last evaluated: 2019-08-16. Review status: criteria provided, single submitter. Criteria: ACMG Guidelines, 2015. Collection method: clinical testing. Allele origin: germline.
Comment: This variant (rs780020801) is rare (<0.1%) in a large population dataset (gnomAD: 2/251180 total alleles; 0.0007962%; no homozygotes). This nonsense variant results in a premature stop codon in exon 25 of 27, likely leading to nonsense-mediated decay and lack of protein production. This variant is classified as pathogenic.

Literature cited by the submitters: PubMed 18371931 (cited by Labcorp Genetics (formerly Invitae), Labcorp); PubMed 23559409 (cited by Labcorp Genetics (formerly Invitae), Labcorp and 3billion).

NM_153240.5(NPHP3):c.3619C>T (p.Arg1207Ter)

Genes: NPHP3-ACAD11 (NPHP3-ACAD11 readthrough (NMD candidate); minus strand), NPHP3 (nephrocystin 3; minus strand). Cytogenetic location: 3q22.1.
Variant type: single nucleotide variant.
Coding change: c.3619C>T on transcript NM_153240.5 (MANE Select); coding-DNA position 3619, C replaced by T.
Protein change: p.Arg1207Ter; replaces arginine 1207 with a stop codon.
Molecular consequence: nonsense. On other transcripts: non-coding transcript variant (1).
Genome position (GRCh38, 1-based): chr3:132,683,476, G>A on the plus strand (C>T on the coding strand, the complement: NPHP3 is on the minus strand). VCF-style: chr3-132683476-G-A. GRCh37 (hg19) VCF-style: chr3-132402320-G-A.
Other names: short protein forms R1207*.
Identifiers: ClinVar variation 693989 (VCV000693989.5), dbSNP rs780020801, ClinGen allele CA2621688.
Genomic context (GRCh38, chr3:132,683,476, plus strand): 5'-CAGCTAAGTTCACCAAGGCAGTAGCTACACTAGGGTGCTTTGGGCCAAAAGATTTCTGTC[G>A]AATTTCAACAGCCAATTCATACAAAGGTACAGCTTTGTCAAGTTTCCCCTAAAAAACAAG-3'